The following is an entry in ClinVar:

NM_000170.3(GLDC):c.2963G>A (p.Arg988Gln)

Gene: GLDC (glycine decarboxylase; minus strand). Cytogenetic location: 9p24.1.
Variant type: single nucleotide variant.
Coding change: c.2963G>A on transcript NM_000170.3 (MANE Select); coding-DNA position 2963, G replaced by A.
Protein change: p.Arg988Gln; replaces arginine 988 with glutamine.
Molecular consequence: missense variant.
Genome position (GRCh38, 1-based): chr9:6,533,117, C>T on the plus strand (G>A on the coding strand, the complement: GLDC is on the minus strand). VCF-style: chr9-6533117-C-T. GRCh37 (hg19) VCF-style: chr9-6533117-C-T.
Other names: short protein forms R988Q.
Identifiers: ClinVar variation 554292 (VCV000554292.20), dbSNP rs749512886, ClinGen allele CA4979988.

ClinVar aggregate classification (germline): Pathogenic/Likely pathogenic. Review status: criteria provided, multiple submitters, no conflicts (2 of 4 stars). 11 submissions from 11 submitters: Pathogenic (2); Likely pathogenic (8). 1 of the submissions does not count toward it. Last evaluated 2026-08-25.

Conditions:
Glycine encephalopathy. Also called: Nonketotic hyperglycinemia; Non-ketotic hyperglycinemia. Identifiers: Orphanet 407, MedGen C0751748, MONDO:0011612, HP:0008288.
Glycine encephalopathy 1 (GCE1). Identifiers: MedGen CN376801, MONDO:0958179, OMIM 605899.
GLDC-related disorders.
GLDC-related disorder. Also called: GLDC-related condition.

Allele frequency attached by ClinVar (database versions not stated): ExAC 0.00001; gnomAD 0.00001; TOPMed 0.00001.
gnomAD v4.1: 41 of 1,612,126 alleles (0.0025%); highest among the groups gnomAD compares: Non-Finnish European, 0.003%; no homozygotes.

Submissions (11):

Myriad Genetics, Inc.
Classification: Likely pathogenic for Glycine encephalopathy 1. Last evaluated: 2026-08-25. Review status: criteria provided, single submitter. Criteria: Myriad Autosomal Dominant, Autosomal Recessive and X-Linked Classification Criteria (2023). Collection method: clinical testing. Allele origin: unknown.
Comment: NM_000170.2(GLDC):c.2963G>A(R988Q) is a missense variant classified as likely pathogenic in the context of glycine encephalopathy, GLDC-related. R988Q has been observed in cases with relevant disease (PMID: 27362913, 28416785, 41966573, Eyskens_2006_(Abstract)). Relevant functional assessments of this variant are not available in the literature. R988Q has been observed in referenced population frequency databases. In summary, NM_000170.2(GLDC):c.2963G>A(R988Q) is a missense variant that has been observed more frequently in cases with the relevant disease than in healthy populations. Please note: this variant was assessed in the context of healthy population screening.

3billion
Classification: Pathogenic for Glycine encephalopathy 1. Last evaluated: 2026-01-27. Review status: criteria provided, single submitter. Criteria: ACMG Guidelines, 2015. Collection method: clinical testing. Allele origin: germline. Affected: yes.
Comment: The variant is observed at an extremely low frequency in the gnomAD v4.1.0 dataset (total allele frequency: 0.003%). Predicted Consequence/Location: Missense variant In silico tool predictions suggest damaging effect of the variant on gene or gene product [REVEL: 0.93 (>=0.6, sensitivity 0.68 and specificity 0.92); 3Cnet: 0.94 (> 0.75, sensitivity 0.96 and precision 0.92)]. The same nucleotide change resulting in the same amino acid change has been previously reported as pathogenic/likely pathogenic with strong evidence (ClinVar ID: VCV000554292). Different missense changes at the same codon (p.Arg988Gly, p.Arg988Trp) have been reported as pathogenic/likely pathogenic with strong evidence (ClinVar ID: VCV000554524, VCV001345988). Therefore, this variant is classified as Pathogenic according to the recommendation of ACMG/AMP guideline.

Natera, Inc.
Classification: Likely pathogenic for Non-ketotic hyperglycinemia. Last evaluated: 2025-11-06. Review status: criteria provided, single submitter. Criteria: Natera Variant Classification Schema (03/2026). Collection method: clinical testing. Allele origin: germline.
Comment: The c.2963G>A variant in GLDC is a missense variant predicted to cause substitution of arginine to glutamine at amino acid 988. This variant is rare in the general population with a frequency below the threshold expected for the associated phenotype(s). This variant has been observed in one or more individuals affected with the associated recessive disease, as either homozygous or compound heterozygous with a second variant (PMID: 2841678, 27362913). A different variant at the same position has been determined to be Pathogenic or Likely Pathogenic. Computational prediction algorithms indicate this variant is likely to affect gene or protein function. Given the available evidence, this variant is classified as Likely Pathogenic.

GeneDx
Classification: Likely pathogenic. Last evaluated: 2025-08-23. Review status: criteria provided, single submitter. Criteria: GeneDx Variant Classification Process June 2021. Collection method: clinical testing. Allele origin: germline. Affected: yes.
Comment: Not observed at significant frequency in large population cohorts (gnomAD); In silico analysis supports that this missense variant has a deleterious effect on protein structure/function; This variant is associated with the following publications: (PMID: 27362913, 28416785, 32421718)

PreventionGenetics, part of Exact Sciences
Classification: Likely pathogenic for GLDC-related condition. Last evaluated: 2025-08-04. Review status: criteria provided, single submitter. Criteria: ACMG Guidelines, 2015. Collection method: clinical testing. Allele origin: germline.
Comment: The GLDC c.2963G>A variant is predicted to result in the amino acid substitution p.Arg988Gln. This variant has been reported in the homozygous state in individuals with non-ketotic hyperglycinaemia (supplementary material, Coughlin et al. 2017. PubMed ID: 27362913; Kose et al. 2017. PubMed ID: 28416785). An alternate nucleotide change impacting the same amnio acid position (p.Arg988Trp) has also been reported in an individual with non-ketotic hyperglycinaemia (supplementary material, Coughlin et al. 2017. PubMed ID: 27362913). This variant is reported in 0.0026% of alleles in individuals of European (Non-Finnish) descent in gnomAD. This variant is interpreted as likely pathogenic.

Labcorp Genetics (formerly Invitae), Labcorp
Classification: Pathogenic for Glycine encephalopathy. Last evaluated: 2024-11-01. Review status: criteria provided, single submitter. Criteria: Invitae Variant Classification Sherloc (09022015). Collection method: clinical testing. Allele origin: germline.
Comment: This sequence change replaces arginine, which is basic and polar, with glutamine, which is neutral and polar, at codon 988 of the GLDC protein (p.Arg988Gln). This variant is present in population databases (rs749512886, gnomAD 0.003%). This missense change has been observed in individual(s) with glycine encephalopathy (PMID: 27362913, 28416785). ClinVar contains an entry for this variant (Variation ID: 554292). Invitae Evidence Modeling of protein sequence and biophysical properties (such as structural, functional, and spatial information, amino acid conservation, physicochemical variation, residue mobility, and thermodynamic stability) indicates that this missense variant is expected to disrupt GLDC protein function with a positive predictive value of 95%. This variant disrupts the p.Arg988 amino acid residue in GLDC. Other variant(s) that disrupt this residue have been determined to be pathogenic (PMID: 27362913). This suggests that this residue is clinically significant, and that variants that disrupt this residue are likely to be disease-causing. For these reasons, this variant has been classified as Pathogenic.

Laboratory of Medical Genetics, National & Kapodistrian University of Athens
Classification: Likely pathogenic for Glycine encephalopathy 1. Last evaluated: 2024-02-01. Review status: criteria provided, single submitter. Criteria: ACMG Guidelines, 2015. Collection method: curation. Allele origin: germline. Affected: no.

Neuberg Centre For Genomic Medicine, NCGM
Classification: Likely pathogenic for Glycine encephalopathy 1. Last evaluated: 2023-07-22. Review status: criteria provided, single submitter. Criteria: ACMG Guidelines, 2015. Collection method: clinical testing. Allele origin: germline. Inheritance: Autosomal recessive inheritance. Affected: yes.
Comment: The observed missense c.2963G>A p.Arg988Gln variant in gene has been previously reported in homozygous state in multiple individuals affected with Glycine encephalopathy Kose E et al. 2017; Farris J et al. 2020. The p.Arg988Gln variant has allele frequency 0.001% in gnomAD Exomes. This variant has been submitted to the ClinVar database as Uncertain significance / Pathogenic. Multiple lines of computational evidence Polyphen - Probably damaging, SIFT – Damaging and Mutation Taster - Disease causing predict a damaging effect on protein structure and function for this variant. The reference amino acid change on GLDC gene is predicted as conserved by GERP++ and PhyloP across 100 vertebrates. The amino acid Arg at position 988 is changed to a Gln changing protein sequence and it might alter its composition and physico-chemical properties. Functional studies are required to prove the pathogenicity for the variant, for these reasons, this variant has been classified as Likely Pathogenic.

Blueprint Genetics
Classification: Likely pathogenic for GLDC-related disorders. Last evaluated: 2022-08-26. Review status: criteria provided, single submitter. Criteria: ACMG Guidelines, 2015. Collection method: clinical testing. Allele origin: germline. Affected: yes. Observed: 2 variant alleles.

Juno Genomics, Hangzhou Juno Genomics, Inc
Classification: Likely pathogenic for Glycine encephalopathy 1. Review status: criteria provided, single submitter. Criteria: ACMG Guidelines, 2015. Collection method: clinical testing. Allele origin: germline.
Comment: Absent from controls (or at extremely low frequency if recessive) in Genome Aggregation Database.;Multiple lines of computational evidence support a deleterious effect on the gene or gene product.;For recessive disorders, detected in trans with a pathogenic variant.;Patient's phenotype or family history is highly specific for a disease with a single genetic etiology.

Counsyl
Classification: Uncertain significance for Glycine encephalopathy 1. Last evaluated: 2017-10-24. Review status: no assertion criteria provided. Collection method: clinical testing. Allele origin: unknown. Not counted in ClinVar's aggregate classification.

Literature cited by the submitters: PubMed 2841678 (cited by Natera, Inc.); PubMed 27362913 (cited by 3 submitters); PubMed 28416785 (cited by Labcorp Genetics (formerly Invitae), Labcorp).